The following is an entry in ClinVar:

ClinVar aggregate classification (germline): Pathogenic (1 of 4 stars; one submission).

Conditions:
Hereditary diffuse gastric adenocarcinoma (HDGC). Also called: DIFFUSE GASTRIC AND LOBULAR BREAST CANCER SYNDROME. Identifiers: Orphanet 26106, MedGen C1708349, MONDO:0007648, OMIM 137215.

Submission:

Myriad Genetics, Inc.
Classification: Pathogenic for Hereditary diffuse gastric adenocarcinoma. Last evaluated: 2024-01-29. Review status: criteria provided, single submitter. Criteria: Myriad Autosomal Dominant, Autosomal Recessive and X-Linked Classification Criteria (2023). Collection method: clinical testing. Allele origin: unknown.
Comment: This variant is considered pathogenic. This variant creates a frameshift predicted to result in premature protein truncation.

NM_001903.5(CTNNA1):c.1450dup (p.Met484fs)

Gene: CTNNA1 (catenin alpha 1; plus strand). Cytogenetic location: 5q31.2.
Variant type: Duplication.
Coding change: c.1450dup on transcript NM_001903.5 (MANE Select); coding-DNA position 1450, one base duplicated (A; older notation c.1450dupA).
Protein change: p.Met484fs; shifts the reading frame from methionine 484.
Molecular consequence: frameshift variant. On other transcripts: initiator codon variant (5).
Genome position (GRCh38, 1-based): chr5:138,917,802, A duplicated. VCF-style (leftmost placement, unchanged base first): chr5-138917801-C-CA. GRCh37 (hg19) VCF-style: chr5-138253490-C-CA.
Other names: c.340dup, p.Met114fs (NM_001323989.1, NM_001323990.1, NM_001323991.1 and 17 more transcripts); c.1dup, p.Met1fs (NM_001324006.1, NM_001324007.1, NM_001324008.1 and 2 more transcripts); c.247dup, p.Met83fs (NM_001324011.1); c.97dup, p.Met33fs (NM_001324012.1, NM_001324013.1); c.1141dup, p.Met381fs (NM_001290309.3); c.1081dup, p.Met361fs (NM_001290310.3); c.1450dup, p.Met484fs (NM_001323982.2, NM_001323983.1, NM_001323984.2 and 2 more transcripts); c.1357dup, p.Met453fs (NM_001323986.2); short protein forms M453fs, M484fs, M114fs, M1fs, M33fs, M83fs, M361fs, M381fs.
Identifiers: ClinVar variation 3148688 (VCV003148688.1), dbSNP rs2533589177, ClinGen allele CA2825001396.